The following is an entry in ClinVar:

ClinVar aggregate classification (germline): Uncertain significance (1 of 4 stars; one submission).

Conditions:
Emery-Dreifuss muscular dystrophy 5, autosomal dominant (EDMD5). Also called: EMERY-DREIFUSS MUSCULAR DYSTROPHY 5. Identifiers: Orphanet 261, MedGen C2751805, MONDO:0013072, OMIM 612999.

gnomAD v4.1: 1 of 1,571,634 alleles (0.000064%); highest among the groups gnomAD compares: Non-Finnish European, 0.000088%; no homozygotes.

Submission:

Labcorp Genetics (formerly Invitae), Labcorp
Classification: Uncertain significance for Emery-Dreifuss muscular dystrophy 5, autosomal dominant. Last evaluated: 2024-03-22. Review status: criteria provided, single submitter. Criteria: Invitae Variant Classification Sherloc (09022015). Collection method: clinical testing. Allele origin: germline.
Comment: This sequence change replaces methionine, which is neutral and non-polar, with isoleucine, which is neutral and non-polar, at codon 562 of the SYNE2 protein (p.Met562Ile). This variant is present in population databases (rs753088672, gnomAD 0.0009%). This variant has not been reported in the literature in individuals affected with SYNE2-related conditions. Algorithms developed to predict the effect of missense changes on protein structure and function output the following: SIFT: "Not Available"; PolyPhen-2: "Benign"; Align-GVGD: "Not Available". The isoleucine amino acid residue is found in multiple mammalian species, which suggests that this missense change does not adversely affect protein function. In summary, the available evidence is currently insufficient to determine the role of this variant in disease. Therefore, it has been classified as a Variant of Uncertain Significance.

NM_182914.3(SYNE2):c.1686G>C (p.Met562Ile)

Gene: SYNE2 (spectrin repeat containing nuclear envelope protein 2; plus strand). Cytogenetic location: 14q23.2.
Variant type: single nucleotide variant.
Coding change: c.1686G>C on transcript NM_182914.3 (MANE Select); coding-DNA position 1686, G replaced by C.
Protein change: p.Met562Ile; replaces methionine 562 with isoleucine.
Molecular consequence: missense variant.
Genome position (GRCh38, 1-based): chr14:63,981,023, G>C. VCF-style: chr14-63981023-G-C. GRCh37 (hg19) VCF-style: chr14-64447741-G-C.
Other names: c.1686G>C, p.Met562Ile (NM_015180.6); short protein forms M562I.
Identifiers: ClinVar variation 3646073 (VCV003646073.2).